The following is an entry in ClinVar:

NM_001151.4(SLC25A4):c.782T>C (p.Ile261Thr)

Gene: SLC25A4 (solute carrier family 25 member 4; plus strand). Cytogenetic location: 4q35.1.
Variant type: single nucleotide variant.
Coding change: c.782T>C on transcript NM_001151.4 (MANE Select); coding-DNA position 782, T replaced by C.
Protein change: p.Ile261Thr; replaces isoleucine 261 with threonine.
Molecular consequence: missense variant.
Genome position (GRCh38, 1-based): chr4:185,146,856, T>C. VCF-style: chr4-185146856-T-C. GRCh37 (hg19) VCF-style: chr4-186068010-T-C.
Other names: c.782T>C (NM_001151.3); short protein forms I261T.
Identifiers: ClinVar variation 1406041 (VCV001406041.9), dbSNP rs778510320, ClinGen allele CA3156588.

ClinVar aggregate classification (germline): Uncertain significance. Review status: criteria provided, multiple submitters, no conflicts (2 of 4 stars). 3 submissions from 3 submitters: Uncertain significance (3). Last evaluated 2025-11-20.

Conditions:
Inborn genetic diseases. Identifiers: MedGen C0950123, MeSH D030342.

Allele frequency attached by ClinVar (database versions not stated): gnomAD 0.00001 and 0.00002; gnomAD exomes 0.00001 and 0.00002; ExAC 0.00002; TOPMed 0.00003.

Submissions (3):

Ambry Genetics
Classification: Uncertain significance for Inborn genetic diseases. Last evaluated: 2025-11-20. Review status: criteria provided, single submitter. Criteria: Ambry Variant Classification Scheme 2023. Collection method: clinical testing. Allele origin: germline.

Labcorp Genetics (formerly Invitae), Labcorp
Classification: Uncertain significance. Last evaluated: 2024-12-17. Review status: criteria provided, single submitter. Criteria: Invitae Variant Classification Sherloc (09022015). Collection method: clinical testing. Allele origin: germline.
Comment: This sequence change replaces isoleucine, which is neutral and non-polar, with threonine, which is neutral and polar, at codon 261 of the SLC25A4 protein (p.Ile261Thr). This variant is present in population databases (rs778510320, gnomAD 0.005%). This variant has not been reported in the literature in individuals affected with SLC25A4-related conditions. ClinVar contains an entry for this variant (Variation ID: 1406041). Invitae Evidence Modeling of protein sequence and biophysical properties (such as structural, functional, and spatial information, amino acid conservation, physicochemical variation, residue mobility, and thermodynamic stability) indicates that this missense variant is not expected to disrupt SLC25A4 protein function with a negative predictive value of 80%. In summary, the available evidence is currently insufficient to determine the role of this variant in disease. Therefore, it has been classified as a Variant of Uncertain Significance.

Revvity Omics, Revvity
Classification: Uncertain significance. Last evaluated: 2022-08-16. Review status: criteria provided, single submitter. Criteria: ACMG Guidelines, 2015. Collection method: clinical testing. Allele origin: germline.